The following is an entry in ClinVar:

ClinVar aggregate classification (germline): Uncertain significance (1 of 4 stars; one submission).

Conditions:
Familial thoracic aortic aneurysm and aortic dissection (TAAD). Also called: Thoracic aortic aneurysms and dissections. Identifiers: Orphanet 91387, MedGen C4707243, MONDO:0019625.

Allele frequency attached by ClinVar (database versions not stated): gnomAD exomes below 0.00001.
gnomAD v4.1: 1 of 1,614,100 alleles (0.000062%); highest among the groups gnomAD compares: Non-Finnish European, 0.000085%; no homozygotes.

Submission:

Ambry Genetics
Classification: Uncertain significance for Familial thoracic aortic aneurysm and aortic dissection. Last evaluated: 2021-04-11. Review status: criteria provided, single submitter. Criteria: Ambry Variant Classification Scheme 2023. Collection method: clinical testing. Allele origin: germline.
Comment: The p.P374S variant (also known as c.1120C>T), located in coding exon 7 of the MYLK gene, results from a C to T substitution at nucleotide position 1120. The proline at codon 374 is replaced by serine, an amino acid with similar properties. This amino acid position is not well conserved in available vertebrate species. In addition, this alteration is predicted to be tolerated by in silico analysis. Since supporting evidence is limited at this time, the clinical significance of this alteration remains unclear.

NM_053025.4(MYLK):c.1120C>T (p.Pro374Ser)

Gene: MYLK (myosin light chain kinase; minus strand). Cytogenetic location: 3q21.1.
Variant type: single nucleotide variant.
Coding change: c.1120C>T on transcript NM_053025.4 (MANE Select); coding-DNA position 1120, C replaced by T.
Protein change: p.Pro374Ser; replaces proline 374 with serine.
Molecular consequence: missense variant.
Genome position (GRCh38, 1-based): chr3:123,733,876, G>A on the plus strand (C>T on the coding strand, the complement: MYLK is on the minus strand). VCF-style: chr3-123733876-G-A. GRCh37 (hg19) VCF-style: chr3-123452723-G-A.
Other names: c.592C>T, p.Pro198Ser (NM_001321309.2); c.1120C>T, p.Pro374Ser (NM_053026.4, NM_053027.4, NM_053028.4); short protein forms P374S, P198S.
Identifiers: ClinVar variation 519978 (VCV000519978.5), dbSNP rs1553822427, ClinGen allele CA354239468.